The following is an entry in ClinVar:

ClinVar aggregate classification (germline): Uncertain significance. Review status: criteria provided, multiple submitters, no conflicts (2 of 4 stars). 3 submissions from 3 submitters: Uncertain significance (3). Last evaluated 2026-08-03.

Conditions:
ILDR1-related disorder. Also called: ILDR1-related condition.

Allele frequency attached by ClinVar (database versions not stated): ExAC 0.00004; gnomAD exomes 0.00004; ESP Exome Variant Server 0.00015; 1000 Genomes Project 0.00020; TOPMed 0.00023; 1000 Genomes Project 30x 0.00047.

Submissions (3):

PreventionGenetics, part of Exact Sciences
Classification: Uncertain significance for ILDR1-related condition. Last evaluated: 2026-08-03. Review status: criteria provided, single submitter. Criteria: ACMG Guidelines, 2015. Collection method: clinical testing. Allele origin: germline.
Comment: The ILDR1 c.391G>A variant is predicted to result in the amino acid substitution p.Val131Met. To our knowledge, this variant has not been reported in the literature. This variant is reported in 0.052% of alleles in individuals of African descent in gnomAD, which may be too frequent to be a primary cause of disease. Although we suspect that this variant may be benign, at this time, the clinical significance of this variant is uncertain due to the absence of conclusive functional and genetic evidence.

Labcorp Genetics (formerly Invitae), Labcorp
Classification: Uncertain significance. Last evaluated: 2022-06-23. Review status: criteria provided, single submitter. Criteria: Invitae Variant Classification Sherloc (09022015). Collection method: clinical testing. Allele origin: germline.
Comment: This sequence change replaces valine, which is neutral and non-polar, with methionine, which is neutral and non-polar, at codon 131 of the ILDR1 protein (p.Val131Met). This variant is present in population databases (rs140546670, gnomAD 0.05%). This variant has not been reported in the literature in individuals affected with ILDR1-related conditions. ClinVar contains an entry for this variant (Variation ID: 289706). Algorithms developed to predict the effect of missense changes on protein structure and function are either unavailable or do not agree on the potential impact of this missense change (SIFT: "Deleterious"; PolyPhen-2: "Probably Damaging"; Align-GVGD: "Class C15"). In summary, the available evidence is currently insufficient to determine the role of this variant in disease. Therefore, it has been classified as a Variant of Uncertain Significance.

Eurofins Ntd Llc (ga)
Classification: Uncertain significance. Last evaluated: 2018-04-10. Review status: criteria provided, single submitter. Criteria: EGL ClinVar v180209 classification definitions. Collection method: clinical testing. Allele origin: germline. Observed: 1 variant allele, 1 heterozygote.

NM_001199799.2(ILDR1):c.391G>A (p.Val131Met)

Gene: ILDR1 (immunoglobulin like domain containing receptor 1; minus strand). Cytogenetic location: 3q13.33.
Variant type: single nucleotide variant.
Coding change: c.391G>A on transcript NM_001199799.2 (MANE Select); coding-DNA position 391, G replaced by A.
Protein change: p.Val131Met; replaces valine 131 with methionine.
Molecular consequence: missense variant. On other transcripts: intron variant (1).
Genome position (GRCh38, 1-based): chr3:122,001,853, C>T on the plus strand (G>A on the coding strand, the complement: ILDR1 is on the minus strand). VCF-style: chr3-122001853-C-T. GRCh37 (hg19) VCF-style: chr3-121720700-C-T.
Other names: c.391G>A (NM_001199799.1); c.391G>A, p.Val131Met (NM_175924.4); c.379+3391G>A (NM_001199800.2); short protein forms V131M.
Identifiers: ClinVar variation 289706 (VCV000289706.9), dbSNP rs140546670, ClinGen allele CA2568931.